The following is an entry in ClinVar:

ClinVar aggregate classification (germline): Pathogenic (1 of 4 stars; one submission).

Conditions:
Familial cancer of breast. Also called: hereditary breast carcinoma; Hereditary breast cancer; BREAST CANCER, FAMILIAL. Identifiers: Orphanet 227535, MedGen C0346153, MONDO:0016419, OMIM 114480. Disease mechanism: loss of function.

Submission:

Labcorp Genetics (formerly Invitae), Labcorp
Classification: Pathogenic for Familial cancer of breast. Last evaluated: 2025-05-30. Review status: criteria provided, single submitter. Criteria: Invitae Variant Classification Sherloc (09022015). Collection method: clinical testing. Allele origin: germline.
Comment: This sequence change creates a premature translational stop signal (p.Gly808*) in the PALB2 gene. It is expected to result in an absent or disrupted protein product. Loss-of-function variants in PALB2 are known to be pathogenic (PMID: 17200668, 17200671, 17200672, 24136930, 25099575). This variant is not present in population databases (gnomAD no frequency). This variant has not been reported in the literature in individuals affected with PALB2-related conditions. ClinVar contains an entry for this variant (Variation ID: 649138). For these reasons, this variant has been classified as Pathogenic.

Literature cited by the submitters: PubMed 17200668; PubMed 17200671; PubMed 17200672; PubMed 24136930; PubMed 25099575.

NM_024675.4(PALB2):c.2422G>T (p.Gly808Ter)

Gene: PALB2 (partner and localizer of BRCA2; minus strand). Cytogenetic location: 16p12.2.
Variant type: single nucleotide variant.
Coding change: c.2422G>T on transcript NM_024675.4 (MANE Select); coding-DNA position 2422, G replaced by T.
Protein change: p.Gly808Ter; replaces glycine 808 with a stop codon.
Molecular consequence: nonsense.
Genome position (GRCh38, 1-based): chr16:23,629,732, C>A on the plus strand (G>T on the coding strand, the complement: PALB2 is on the minus strand). VCF-style: chr16-23629732-C-A. GRCh37 (hg19) VCF-style: chr16-23641053-C-A.
Other names: short protein forms G808*.
Identifiers: ClinVar variation 649138 (VCV000649138.7), dbSNP rs1064795507, ClinGen allele CA395124318.